The following is an entry in ClinVar:

ClinVar aggregate classification (germline): Uncertain significance. Review status: criteria provided, multiple submitters, no conflicts (2 of 4 stars). 5 submissions from 5 submitters: Uncertain significance (5). Last evaluated 2024-04-12.

Conditions:
Inborn genetic diseases. Identifiers: MedGen C0950123, MeSH D030342.
Gamma-aminobutyric acid transaminase deficiency (GABATD). Also called: GABA aminotransaminase deficiency; GABA transaminase deficiency; Gamma aminobutyrate transaminase deficiency; 4 alpha aminobutyrate transaminase deficiency. Identifiers: Orphanet 2066, MedGen C0342708, MONDO:0013166, OMIM 613163.

Allele frequency attached by ClinVar (database versions not stated): ExAC 0.00009; gnomAD exomes 0.00009; gnomAD 0.00010; TOPMed 0.00016.

Submissions (5):

Blueprint Genetics
Classification: Uncertain significance. Last evaluated: 2024-04-12. Review status: criteria provided, single submitter. Criteria: ACMG Guidelines, 2015. Collection method: clinical testing. Allele origin: germline.

Labcorp Genetics (formerly Invitae), Labcorp
Classification: Uncertain significance for Gamma-aminobutyric acid transaminase deficiency. Last evaluated: 2022-08-22. Review status: criteria provided, single submitter. Criteria: Invitae Variant Classification Sherloc (09022015). Collection method: clinical testing. Allele origin: germline.
Comment: This sequence change replaces glutamine, which is neutral and polar, with histidine, which is basic and polar, at codon 15 of the ABAT protein (p.Gln15His). This variant is present in population databases (rs138270964, gnomAD 0.02%). This variant has not been reported in the literature in individuals affected with ABAT-related conditions. ClinVar contains an entry for this variant (Variation ID: 500996). Algorithms developed to predict the effect of missense changes on protein structure and function (SIFT, PolyPhen-2, Align-GVGD) all suggest that this variant is likely to be tolerated. In summary, the available evidence is currently insufficient to determine the role of this variant in disease. Therefore, it has been classified as a Variant of Uncertain Significance.

Fulgent Genetics
Classification: Uncertain significance for Gamma-aminobutyric acid transaminase deficiency. Last evaluated: 2021-07-06. Review status: criteria provided, single submitter. Criteria: ACMG Guidelines, 2015. Collection method: clinical testing. Allele origin: unknown.

Ambry Genetics
Classification: Uncertain significance for Inborn genetic diseases. Last evaluated: 2021-05-24. Review status: criteria provided, single submitter. Criteria: Ambry Variant Classification Scheme 2023. Collection method: clinical testing. Allele origin: germline.

Eurofins Ntd Llc (ga)
Classification: Uncertain significance. Last evaluated: 2017-04-11. Review status: criteria provided, single submitter. Criteria: EGL Classification Definitions 2015. Collection method: clinical testing. Allele origin: germline. Observed: 1 variant allele, 1 heterozygote.

NM_020686.6(ABAT):c.45G>C (p.Gln15His)

Gene: ABAT (4-aminobutyrate aminotransferase; plus strand). Cytogenetic location: 16p13.2.
Variant type: single nucleotide variant.
Coding change: c.45G>C on transcript NM_020686.6 (MANE Select); coding-DNA position 45, G replaced by C.
Protein change: p.Gln15His; replaces glutamine 15 with histidine.
Molecular consequence: missense variant. On other transcripts: intron variant (3).
Genome position (GRCh38, 1-based): chr16:8,735,784, G>C. VCF-style: chr16-8735784-G-C. GRCh37 (hg19) VCF-style: chr16-8829641-G-C.
Other names: c.45G>C, p.Gln15His (NM_000663.5, NM_001127448.2, NM_001386600.1 and 13 more transcripts); c.-65-10217G>C (NM_001386611.1, NM_001386612.1, NM_001386613.1); c.45G>C (NM_020686.5); short protein forms Q15H.
Identifiers: ClinVar variation 500996 (VCV000500996.12), dbSNP rs138270964, ClinGen allele CA7892917.